The following is an entry in ClinVar:

ClinVar aggregate classification (germline): Pathogenic. Review status: reviewed by expert panel (3 of 4 stars). 6 submissions from 6 submitters: Pathogenic (1). 5 of the submissions do not count toward it. Last evaluated 2018-08-10.

Conditions:
Phenylketonuria (PKU). Also called: Phenylketonuria (PKU); FOLLING DISEASE; OLIGOPHRENIA PHENYLPYRUVICA; Phenylketonurias. Identifiers: Orphanet 716, MedGen C0031485, MONDO:0009861, OMIM 261600. Disease mechanism: loss of function.

Allele frequency attached by ClinVar (database versions not stated): gnomAD exomes below 0.00001 and 0.00001; ExAC 0.00002; gnomAD 0.00001; TOPMed 0.00001.

Submissions (6):

ClinGen PAH Variant Curation Expert Panel
Classification: Pathogenic for Phenylketonuria. Last evaluated: 2018-08-10. Review status: reviewed by expert panel. Criteria: ClinGen PAH ACMG Specifications v1. Collection method: curation. Allele origin: germline. Inheritance: Autosomal recessive inheritance.
Comment: PAH-specific ACMG/AMP criteria applied: PM2: Extremely low frequency in gnomAD: 0.000008131; PM4: Protein length change as a results of in-frame deletion; PP4_Moderate: T323del found in 2 PKU patients. BH4 deficiency excluded. Upgraded per ClinGen Metabolic workgroup. (PMID:21147011); PM3_Strong: T323del detected with P281 in 1 PKU patient, and L48S in another PKU patient. Both pathogenic. Upgraded per ClinGen SVI Workgroup. (PMID:21147011). In summary this variant meets criteria to be classified as pathogenic for phenylketonuria in an autosomal recessive manner based on the ACMG/AMP criteria applied as specified by the PAH Expert Panel: (PM2, PM4, PP4_Moderate, PM3_Strong).

Natera, Inc.
Classification: Pathogenic for Phenylketonuria. Last evaluated: 2024-08-21. Review status: criteria provided, single submitter. Criteria: Natera Variant Classification Schema (03/2026). Collection method: clinical testing. Allele origin: germline. Not counted in ClinVar's aggregate classification.
Comment: The c.967_969delACA variant in PAH is an in-frame deletion predicted to remove threonine at amino acid 323 while preserving the reading frame. This variant is rare in the general population with a frequency below the threshold expected for the associated phenotype(s). This variant has been observed in one or more individuals affected with the associated recessive disease, as either homozygous or compound heterozygous with a second variant (PMID: 21871829). Given the available evidence, this variant is classified as Pathogenic.

Labcorp Genetics (formerly Invitae), Labcorp
Classification: Pathogenic for Phenylketonuria. Last evaluated: 2024-01-25. Review status: criteria provided, single submitter. Criteria: Invitae Variant Classification Sherloc (09022015). Collection method: clinical testing. Allele origin: germline. Not counted in ClinVar's aggregate classification.
Comment: This variant, c.967_969del, results in the deletion of 1 amino acid(s) of the PAH protein (p.Thr323del), but otherwise preserves the integrity of the reading frame. This variant is present in population databases (rs199475618, gnomAD 0.02%). This variant has been observed in individual(s) with phenylketonuria (PMID: 18299955, 21871829, 30829006). ClinVar contains an entry for this variant (Variation ID: 102913). Algorithms developed to predict the effect of variants on protein structure and function are not available or were not evaluated for this variant. Experimental studies are conflicting or provide insufficient evidence to determine the effect of this variant on PAH function (PMID: 18590700). Algorithms developed to predict the effect of sequence changes on RNA splicing suggest that this variant may disrupt the consensus splice site. For these reasons, this variant has been classified as Pathogenic.

Women's Health and Genetics/Laboratory Corporation of America, LabCorp
Classification: Pathogenic for Phenylketonuria. Last evaluated: 2017-07-03. Review status: criteria provided, single submitter. Criteria: LabCorp Variant Classification Summary - May 2015. Collection method: clinical testing. Allele origin: germline. Not counted in ClinVar's aggregate classification.
Comment: Variant summary: The PAH c.967_969delACA (p.Thr323del) variant is an in-frame deletion in non-repetitive region and is located in catalytic domain of the protein (Bercovich_2008). Although it leads to deletion of last 3 nucleotides in exon 9, 5/5 splice prediction tools predict no significant impact on normal splicing. However, mutation taster tool predicts a damaging outcome for this variant. This variant is absent in 121338 control chromosomes from ExAC. This variant has been reported in several PKU patients in homozygous as well as in compound heterozygous state with other pathogenic/likely pathogenic variants (Moller_2005, Bercovich_2008, Rivera_2011, Sarkissian_2012, Yano_2016). In vitro functional study indicates this variant leads to impairment of enzymatic function (Dobrowolski_2011). Taken together, this variant is classified as pathogenic.

Counsyl
Classification: Likely pathogenic for Phenylketonuria. Last evaluated: 2017-06-05. Review status: no assertion criteria provided. Collection method: clinical testing. Allele origin: unknown. Not counted in ClinVar's aggregate classification.

DeBelle Laboratory for Biochemical Genetics, MUHC/MCH RESEARCH INSTITUTE
No classification provided. Review status: no classification provided. Collection method: not provided. Allele origin: not provided. Not counted in ClinVar's aggregate classification.

Literature cited by the submitters: PubMed 21147011 (cited by 3 submitters); PubMed 21871829 (cited by 4 submitters); PubMed 18299955 (cited by 3 submitters); PubMed 30829006 (cited by Labcorp Genetics (formerly Invitae), Labcorp); PubMed 18590700 (cited by Labcorp Genetics (formerly Invitae), Labcorp and Counsyl); PubMed 23430918 (cited by Women's Health and Genetics/Laboratory Corporation of America, LabCorp and Counsyl); PubMed 24350308 (cited by Counsyl); PubMed 26481238 (cited by Counsyl); PubMed 26589311 (cited by Counsyl); PubMed 10541324 (cited by Counsyl); PubMed 16176881 (cited by Counsyl); PubMed 11678552 (cited by Counsyl).

NM_000277.3(PAH):c.968_970del (p.Thr323del)

Gene: PAH (phenylalanine hydroxylase; minus strand). Cytogenetic location: 12q23.2.
Variant type: Deletion.
Coding change: c.968_970del on transcript NM_000277.3 (MANE Select); coding-DNA positions 968 to 970, 3 bases deleted (ACA; older notation c.968_970delACA).
Protein change: p.Thr323del; deletes threonine 323.
Molecular consequence: inframe deletion.
Genome position (GRCh38, 1-based): chr12:102,846,895-102,846,897, TGT deleted on the plus strand (ACA on the coding strand, the reverse complement: PAH is on the minus strand). VCF-style (leftmost placement, unchanged base first): chr12-102846894-CTGT-C. GRCh37 (hg19) VCF-style: chr12-103240672-CTGT-C.
Other names: NM_000277.1(PAH):c.967_969delACA; c.968_970del, p.Thr323del (NM_001354304.2); c.967_969delACA (NM_000277.3, NM_000277.2); c.967_969del (NM_000277.3); short protein forms T323del.
Identifiers: ClinVar variation 102913 (VCV000102913.15), dbSNP rs199475618, ClinGen allele CA229876.